The following is an entry in ClinVar:

ClinVar aggregate classification (germline): Uncertain significance. Review status: criteria provided, multiple submitters, no conflicts (2 of 4 stars). 3 submissions from 3 submitters: Uncertain significance (3). Last evaluated 2025-07-11.

Conditions:
Hereditary cancer-predisposing syndrome. Also called: Hereditary Cancer Syndrome; Tumor predisposition; Hereditary neoplastic syndrome; Neoplastic Syndromes, Hereditary. Identifiers: Orphanet 140162, MedGen C0027672, MeSH D009386, MONDO:0015356.
Tuberous sclerosis syndrome (TSC). Also called: Tuberous Sclerosis Complex; Tuberous sclerosis. Identifiers: Orphanet 805, MedGen C0041341, MONDO:0001734.
Tuberous sclerosis 2 (TSC2). Identifiers: Orphanet 805, MedGen C1860707, MONDO:0013199, OMIM 613254.

Submissions (3):

Color Diagnostics, LLC DBA Color Health
Classification: Uncertain significance for Tuberous sclerosis syndrome. Last evaluated: 2025-07-11. Review status: criteria provided, single submitter. Criteria: ACMG Guidelines, 2015. Collection method: clinical testing. Allele origin: germline.
Comment: This missense variant replaces aspartic acid with asparagine at codon 1126 of the TSC2 protein. Computational prediction suggests that this variant may not impact protein structure and function. To our knowledge, functional studies have not been reported for this variant. This variant has not been reported in individuals affected with TSC2-related disorders in the literature. This variant has not been identified in the general population by the Genome Aggregation Database (gnomAD). The available evidence is insufficient to determine the role of this variant in disease conclusively. Therefore, this variant is classified as a Variant of Uncertain Significance.

Ambry Genetics
Classification: Uncertain significance for Hereditary cancer-predisposing syndrome. Last evaluated: 2024-03-12. Review status: criteria provided, single submitter. Criteria: Ambry Variant Classification Scheme 2023. Collection method: clinical testing. Allele origin: germline.
Comment: The p.D1126N variant (also known as c.3376G>A), located in coding exon 28 of the TSC2 gene, results from a G to A substitution at nucleotide position 3376. The aspartic acid at codon 1126 is replaced by asparagine, an amino acid with highly similar properties. This amino acid position is not well conserved in available vertebrate species. In addition, the in silico prediction for this alteration is inconclusive. Based on the available evidence, the clinical significance of this alteration remains unclear.

Labcorp Genetics (formerly Invitae), Labcorp
Classification: Uncertain significance for Tuberous sclerosis 2. Last evaluated: 2020-05-20. Review status: criteria provided, single submitter. Criteria: Invitae Variant Classification Sherloc (09022015). Collection method: clinical testing. Allele origin: germline.
Comment: In summary, the available evidence is currently insufficient to determine the role of this variant in disease. Therefore, it has been classified as a Variant of Uncertain Significance. Algorithms developed to predict the effect of missense changes on protein structure and function (SIFT, PolyPhen-2, Align-GVGD) all suggest that this variant is likely to be tolerated, but these predictions have not been confirmed by published functional studies and their clinical significance is uncertain. This variant has not been reported in the literature in individuals with TSC2-related conditions. This variant is not present in population databases (ExAC no frequency). This sequence change replaces aspartic acid with asparagine at codon 1126 of the TSC2 protein (p.Asp1126Asn). The aspartic acid residue is weakly conserved and there is a small physicochemical difference between aspartic acid and asparagine.

NM_000548.5(TSC2):c.3376G>A (p.Asp1126Asn)

Gene: TSC2 (TSC complex subunit 2; plus strand). Cytogenetic location: 16p13.3.
Variant type: single nucleotide variant.
Coding change: c.3376G>A on transcript NM_000548.5 (MANE Select); coding-DNA position 3376, G replaced by A.
Protein change: p.Asp1126Asn; replaces aspartic acid 1126 with asparagine.
Molecular consequence: missense variant.
Genome position (GRCh38, 1-based): chr16:2,079,648, G>A. VCF-style: chr16-2079648-G-A. GRCh37 (hg19) VCF-style: chr16-2129649-G-A.
Other names: c.3376G>A (NM_000548.3); c.3244G>A, p.Asp1082Asn (NM_001077183.3, NM_001370404.1); c.3376G>A, p.Asp1126Asn (NM_001114382.3); c.3136G>A, p.Asp1046Asn (NM_001318827.2); c.3100G>A, p.Asp1034Asn (NM_001318829.2); c.2644G>A, p.Asp882Asn (NM_001318831.2); c.3277G>A, p.Asp1093Asn (NM_001318832.2); c.3247G>A, p.Asp1083Asn (NM_001363528.2, NM_001370405.1, NM_021055.3); short protein forms D1034N, D1046N, D1082N, D1083N, D1093N, D1126N, D882N.
Identifiers: ClinVar variation 1053564 (VCV001053564.10), dbSNP rs2151447156, ClinGen allele CA394286707.